The following is an entry in ClinVar:

NM_000465.4(BARD1):c.4C>T (p.Pro2Ser)

Gene: BARD1 (BRCA1 associated RING domain 1; minus strand). Cytogenetic location: 2q35.
Variant type: single nucleotide variant.
Coding change: c.4C>T on transcript NM_000465.4 (MANE Select); coding-DNA position 4, C replaced by T.
Protein change: p.Pro2Ser; replaces proline 2 with serine.
Molecular consequence: missense variant. On other transcripts: non-coding transcript variant (3).
Genome position (GRCh38, 1-based): chr2:214,809,566, G>A on the plus strand (C>T on the coding strand, the complement: BARD1 is on the minus strand). VCF-style: chr2-214809566-G-A. GRCh37 (hg19) VCF-style: chr2-215674290-G-A.
Other names: c.4C>T, p.Pro2Ser (NM_001282543.2, NM_001282545.2, NM_001282548.2 and 1 more transcripts); short protein forms P2S.
Identifiers: ClinVar variation 654146 (VCV000654146.9), dbSNP rs1574870196, ClinGen allele CA350465520.

ClinVar aggregate classification (germline): Uncertain significance (1 of 4 stars; one submission).

Conditions:
Familial cancer of breast. Also called: hereditary breast carcinoma; BREAST CANCER, FAMILIAL; Hereditary breast cancer. Identifiers: Orphanet 227535, MedGen C0346153, MONDO:0016419, OMIM 114480. Disease mechanism: loss of function.

Submission:

Labcorp Genetics (formerly Invitae), Labcorp
Classification: Uncertain significance for Familial cancer of breast. Last evaluated: 2023-08-10. Review status: criteria provided, single submitter. Criteria: Invitae Variant Classification Sherloc (09022015). Collection method: clinical testing. Allele origin: germline.
Comment: This sequence change replaces proline, which is neutral and non-polar, with serine, which is neutral and polar, at codon 2 of the BARD1 protein (p.Pro2Ser). This variant is not present in population databases (gnomAD no frequency). This variant has not been reported in the literature in individuals affected with BARD1-related conditions. ClinVar contains an entry for this variant (Variation ID: 654146). An algorithm developed to predict the effect of missense changes on protein structure and function (PolyPhen-2) suggests that this variant is likely to be disruptive. In summary, the available evidence is currently insufficient to determine the role of this variant in disease. Therefore, it has been classified as a Variant of Uncertain Significance.